The following is an entry in ClinVar:

ClinVar aggregate classification (germline): Uncertain significance. Review status: criteria provided, multiple submitters, no conflicts (2 of 4 stars). 3 submissions from 3 submitters: Uncertain significance (3). Last evaluated 2025-08-14.

Conditions:
Classic or attenuated familial adenomatous polyposis. Identifiers: MedGen CN372698, MONDO:0021057.
Hereditary cancer-predisposing syndrome. Also called: Neoplastic Syndromes, Hereditary; Hereditary Cancer Syndrome; Hereditary neoplastic syndrome; Tumor predisposition. Identifiers: Orphanet 140162, MedGen C0027672, MeSH D009386, MONDO:0015356.
Familial adenomatous polyposis 1 (FAP1). Also called: FAMILIAL ADENOMATOUS POLYPOSIS 1, ATTENUATED; POLYPOSIS, ADENOMATOUS INTESTINAL. Identifiers: MedGen C2713442, MONDO:0021056, OMIM 175100. Disease mechanism: loss of function.

Submissions (3):

Ambry Genetics
Classification: Uncertain significance for Hereditary cancer-predisposing syndrome. Last evaluated: 2025-08-14. Review status: criteria provided, single submitter. Criteria: Ambry Variant Classification Scheme 2023. Collection method: clinical testing. Allele origin: germline.
Comment: The p.D2519G variant (also known as c.7556A>G), located in coding exon 15 of the APC gene, results from an A to G substitution at nucleotide position 7556. The aspartic acid at codon 2519 is replaced by glycine, an amino acid with similar properties. This amino acid position is highly conserved in available vertebrate species. In addition, in silico predictors for this gene do not accurately predict pathogenicity. Since supporting evidence is limited at this time, the clinical significance of this alteration remains unclear.

Labcorp Genetics (formerly Invitae), Labcorp
Classification: Uncertain significance for Familial adenomatous polyposis 1. Last evaluated: 2025-06-09. Review status: criteria provided, single submitter. Criteria: Invitae Variant Classification Sherloc (09022015). Collection method: clinical testing. Allele origin: germline.
Comment: This sequence change replaces aspartic acid, which is acidic and polar, with glycine, which is neutral and non-polar, at codon 2519 of the APC protein (p.Asp2519Gly). This variant is not present in population databases (gnomAD no frequency). This variant has not been reported in the literature in individuals affected with APC-related conditions. ClinVar contains an entry for this variant (Variation ID: 1059095). Invitae Evidence Modeling of protein sequence and biophysical properties (such as structural, functional, and spatial information, amino acid conservation, physicochemical variation, residue mobility, and thermodynamic stability) indicates that this missense variant is not expected to disrupt APC protein function with a negative predictive value of 95%. In summary, the available evidence is currently insufficient to determine the role of this variant in disease. Therefore, it has been classified as a Variant of Uncertain Significance.

All of Us Research Program, National Institutes of Health
Classification: Uncertain significance for Classic or attenuated familial adenomatous polyposis. Last evaluated: 2024-04-25. Review status: criteria provided, single submitter. Criteria: ACMG Guidelines, 2015. Collection method: clinical testing. Allele origin: germline. Inheritance: Autosomal dominant inheritance. Observed: 1 variant allele, 1 heterozygote.
Comment: This missense variant replaces aspartic acid with glycine at codon 2519 of the APC protein. Computational prediction suggests that this variant may not impact protein structure and function (internally defined REVEL score threshold <= 0.5, PMID: 27666373). To our knowledge, functional studies have not been reported for this variant. This variant has not been reported in individuals affected with APC-related disorders in the literature. This variant has not been identified in the general population by the Genome Aggregation Database (gnomAD). The available evidence is insufficient to determine the role of this variant in disease conclusively. Therefore, this variant is classified as a Variant of Uncertain Significance.

This study involves interpretation of variants in research participants for the purpose of population health screening. Participant phenotype was not available at the time of variant classification. Additional details can be found in publication PMID: 35346344, PMCID: PMC8962531

NM_000038.6(APC):c.7556A>G (p.Asp2519Gly)

Gene: APC (APC regulator of Wnt signaling pathway; plus strand). Cytogenetic location: 5q22.2.
Variant type: single nucleotide variant.
Coding change: c.7556A>G on transcript NM_000038.6 (MANE Select); coding-DNA position 7556, A replaced by G.
Protein change: p.Asp2519Gly; replaces aspartic acid 2519 with glycine.
Molecular consequence: missense variant.
Genome position (GRCh38, 1-based): chr5:112,843,150, A>G. VCF-style: chr5-112843150-A-G. GRCh37 (hg19) VCF-style: chr5-112178847-A-G.
Other names: c.7556A>G, p.Asp2519Gly (NM_001127510.3, NM_001354895.2); c.7502A>G, p.Asp2501Gly (NM_001127511.3); c.7610A>G, p.Asp2537Gly (NM_001354896.2); c.7586A>G, p.Asp2529Gly (NM_001354897.2); c.7481A>G, p.Asp2494Gly (NM_001354898.2); c.7472A>G, p.Asp2491Gly (NM_001354899.2); c.7433A>G, p.Asp2478Gly (NM_001354900.2); c.7379A>G, p.Asp2460Gly (NM_001354901.2); and 5 more; short protein forms D2236G, D2359G, D2393G, D2418G, D2428G, D2460G, D2478G, D2491G.
Identifiers: ClinVar variation 1059095 (VCV001059095.14), dbSNP rs1766510088, ClinGen allele CA16037756.